The following is an entry in ClinVar:

NM_000393.5(COL5A2):c.1900A>T (p.Asn634Tyr)

Gene: COL5A2 (collagen type V alpha 2 chain; minus strand). Cytogenetic location: 2q32.2.
Variant type: single nucleotide variant.
Coding change: c.1900A>T on transcript NM_000393.5 (MANE Select); coding-DNA position 1900, A replaced by T.
Protein change: p.Asn634Tyr; replaces asparagine 634 with tyrosine.
Molecular consequence: missense variant.
Genome position (GRCh38, 1-based): chr2:189,063,033, T>A on the plus strand (A>T on the coding strand, the complement: COL5A2 is on the minus strand). VCF-style: chr2-189063033-T-A. GRCh37 (hg19) VCF-style: chr2-189927759-T-A.
Other names: short protein forms N634Y.
Identifiers: ClinVar variation 2711812 (VCV002711812.1), dbSNP rs1487147556, ClinGen allele CA349879396.

ClinVar aggregate classification (germline): Uncertain significance (1 of 4 stars; one submission).

Conditions:
Ehlers-Danlos syndrome, classic type, 1 (EDSCL1). Also called: EHLERS-DANLOS SYNDROME, GRAVIS TYPE; EHLERS-DANLOS SYNDROME, SEVERE CLASSIC TYPE; Ehlers-Danlos syndrome, type 1; Ehlers-Danlos Syndrome, Classic Type, COL5A1-Related; EDS I. Identifiers: MedGen C0268335, MONDO:0019567, OMIM 130000.

gnomAD v4.1: 1 of 1,614,226 alleles (0.000062%); no homozygotes.

Submission:

Labcorp Genetics (formerly Invitae), Labcorp
Classification: Uncertain significance for Ehlers-Danlos syndrome, classic type, 1. Last evaluated: 2023-04-08. Review status: criteria provided, single submitter. Criteria: Invitae Variant Classification Sherloc (09022015). Collection method: clinical testing. Allele origin: germline.
Comment: In summary, the available evidence is currently insufficient to determine the role of this variant in disease. Therefore, it has been classified as a Variant of Uncertain Significance. Advanced modeling of protein sequence and biophysical properties (such as structural, functional, and spatial information, amino acid conservation, physicochemical variation, residue mobility, and thermodynamic stability) performed at Invitae indicates that this missense variant is not expected to disrupt COL5A2 protein function. This variant has not been reported in the literature in individuals affected with COL5A2-related conditions. This variant is not present in population databases (gnomAD no frequency). This sequence change replaces asparagine, which is neutral and polar, with tyrosine, which is neutral and polar, at codon 634 of the COL5A2 protein (p.Asn634Tyr).